The following is an entry in ClinVar:

ClinVar aggregate classification (germline): Uncertain significance (1 of 4 stars; one submission).

gnomAD v4.1: 7 of 1,613,840 alleles (0.00043%); highest among the groups gnomAD compares: Admixed American, 0.0017%; no homozygotes.

Submission:

Women's Health and Genetics/Laboratory Corporation of America, LabCorp
Classification: Uncertain significance. Last evaluated: 2025-10-28. Review status: criteria provided, single submitter. Criteria: LabCorp Variant Classification Summary - May 2015. Collection method: clinical testing. Allele origin: germline.
Comment: Variant summary: DOCK7 c.3040A>G (p.Ile1014Val) results in a conservative amino acid change in the encoded protein sequence. Algorithms developed to predict the effect of missense changes on protein structure and function are either unavailable or do not agree on the potential impact of this missense change. The variant was absent in 250798 control chromosomes. The available data on variant occurrences in the general population are insufficient to allow any conclusion about variant significance. To our knowledge, no occurrence of c.3040A>G in individuals affected with DOCK7-related conditions and no experimental evidence demonstrating its impact on protein function have been reported. No submitters have cited clinical-significance assessments for this variant to ClinVar. Based on the evidence outlined above, the variant was classified as uncertain significance.

NM_001367561.1(DOCK7):c.3133A>G (p.Ile1045Val)

Gene: DOCK7 (dedicator of cytokinesis 7; minus strand). Cytogenetic location: 1p31.3.
Variant type: single nucleotide variant.
Coding change: c.3133A>G on transcript NM_001367561.1 (MANE Select); coding-DNA position 3133, A replaced by G.
Protein change: p.Ile1045Val; replaces isoleucine 1045 with valine.
Molecular consequence: missense variant.
Genome position (GRCh38, 1-based): chr1:62,539,805, T>C on the plus strand (A>G on the coding strand, the complement: DOCK7 is on the minus strand). VCF-style: chr1-62539805-T-C. GRCh37 (hg19) VCF-style: chr1-63005476-T-C.
Other names: c.3133A>G, p.Ile1045Val (NM_001271999.2, NM_001330614.2); c.3040A>G, p.Ile1014Val (NM_001272000.2, NM_001272001.2, NM_033407.4); short protein forms I1014V, I1045V.
Identifiers: ClinVar variation 4687709 (VCV004687709.1).